The following is an entry in ClinVar:

ClinVar aggregate classification (germline): Conflicting classifications of pathogenicity. Review status: criteria provided, conflicting classifications (1 of 4 stars). 2 submissions from 2 submitters: Uncertain significance (1); Likely benign (1). Last evaluated 2023-04-09.

Conditions:
Hypertrophic cardiomyopathy 10. Also called: CARDIOMYOPATHY, HYPERTROPHIC, MID-LEFT VENTRICULAR CHAMBER TYPE, 2; MYL2-Related Familial Hypertrophic Cardiomyopathy. Identifiers: MedGen C1834460, MONDO:0012112, OMIM 608758.
Cardiomyopathy (CMYO). Also called: Cardiomyopathies. Identifiers: Orphanet 167848, MedGen C0878544, MONDO:0004994, HP:0001638. Inheritance: Various modes of inheritance.

Allele frequency attached by ClinVar (database versions not stated): gnomAD exomes below 0.00001 and 0.00001; TOPMed below 0.00001; ExAC 0.00002.
gnomAD v4.1: 7 of 1,431,808 alleles (0.00049%); highest among the groups gnomAD compares: South Asian, 0.0056%; no homozygotes.

Submissions (2):

Labcorp Genetics (formerly Invitae), Labcorp
Classification: Uncertain significance for Hypertrophic cardiomyopathy 10. Last evaluated: 2023-04-09. Review status: criteria provided, single submitter. Criteria: Invitae Variant Classification Sherloc (09022015). Collection method: clinical testing. Allele origin: germline.
Comment: Algorithms developed to predict the effect of sequence changes on RNA splicing suggest that this variant may create or strengthen a splice site. In summary, the available evidence is currently insufficient to determine the role of this variant in disease. Therefore, it has been classified as a Variant of Uncertain Significance. ClinVar contains an entry for this variant (Variation ID: 920512). This variant has not been reported in the literature in individuals affected with MYL2-related conditions. This variant is present in population databases (rs763332557, gnomAD 0.01%). This sequence change falls in intron 6 of the MYL2 gene. It does not directly change the encoded amino acid sequence of the MYL2 protein.

Color Diagnostics, LLC DBA Color Health
Classification: Likely benign for Cardiomyopathy. Last evaluated: 2020-02-11. Review status: criteria provided, single submitter. Criteria: ACMG Guidelines, 2015. Collection method: clinical testing. Allele origin: germline.

NM_000432.4(MYL2):c.403-6T>C

Gene: MYL2 (myosin light chain 2; minus strand). Cytogenetic location: 12q24.11.
Variant type: single nucleotide variant.
Coding change: c.403-6T>C on transcript NM_000432.4 (MANE Select); 6 bases into the intron before coding-DNA position 403, T replaced by C.
Molecular consequence: intron variant.
Genome position (GRCh38, 1-based): chr12:110,911,181, A>G on the plus strand (T>C on the coding strand, the complement: MYL2 is on the minus strand). VCF-style: chr12-110911181-A-G. GRCh37 (hg19) VCF-style: chr12-111348985-A-G.
Identifiers: ClinVar variation 920512 (VCV000920512.7), dbSNP rs763332557, ClinGen allele CA042756.